The following is an entry in ClinVar:

ClinVar aggregate classification (germline): Uncertain significance (1 of 4 stars; one submission).

Allele frequency attached by ClinVar (database versions not stated): gnomAD 0.00001; ESP Exome Variant Server 0.00015.
gnomAD v4.1: 85 of 1,614,012 alleles (0.0053%); highest among the groups gnomAD compares: Admixed American, 0.0067%; no homozygotes.

Submission:

Labcorp Genetics (formerly Invitae), Labcorp
Classification: Uncertain significance. Last evaluated: 2025-12-10. Review status: criteria provided, single submitter. Criteria: Invitae Variant Classification Sherloc (09022015). Collection method: clinical testing. Allele origin: germline.
Comment: This sequence change replaces serine, which is neutral and polar, with arginine, which is basic and polar, at codon 355 of the GHSR protein (p.Ser355Arg). This variant is present in population databases (rs138063648, gnomAD 0.01%). This variant has not been reported in the literature in individuals affected with GHSR-related conditions. ClinVar contains an entry for this variant (Variation ID: 1981240). An algorithm developed to predict the effect of missense changes on protein structure and function (PolyPhen-2) suggests that this variant is likely to be tolerated. In summary, the available evidence is currently insufficient to determine the role of this variant in disease. Therefore, it has been classified as a Variant of Uncertain Significance.

NM_198407.2(GHSR):c.1065T>A (p.Ser355Arg)

Gene: GHSR (growth hormone secretagogue receptor; minus strand). Cytogenetic location: 3q26.31.
Variant type: single nucleotide variant.
Coding change: c.1065T>A on transcript NM_198407.2 (MANE Select); coding-DNA position 1065, T replaced by A.
Protein change: p.Ser355Arg; replaces serine 355 with arginine.
Molecular consequence: missense variant.
Genome position (GRCh38, 1-based): chr3:172,445,197, A>T on the plus strand (T>A on the coding strand, the complement: GHSR is on the minus strand). VCF-style: chr3-172445197-A-T. GRCh37 (hg19) VCF-style: chr3-172162987-A-T.
Other names: short protein forms S355R.
Identifiers: ClinVar variation 1981240 (VCV001981240.4), dbSNP rs138063648, ClinGen allele CA2706304.